The following is an entry in ClinVar:

ClinVar aggregate classification (germline): Uncertain significance. Review status: criteria provided, multiple submitters, no conflicts (2 of 4 stars). 4 submissions from 4 submitters: Uncertain significance (4). Last evaluated 2025-06-02.

Conditions:
Cardiovascular phenotype. Identifiers: MedGen CN230736.
RASopathy. Also called: rasopathies; Noonan spectrum disorder. Identifiers: Orphanet 536391, MedGen C5555857, MONDO:0021060.

Allele frequency attached by ClinVar (database versions not stated): ExAC 0.00002; gnomAD exomes 0.00001 and 0.00002; gnomAD 0.00001; TOPMed 0.00001.
gnomAD v4.1: 12 of 1,613,820 alleles (0.00074%); highest among the groups gnomAD compares: Admixed American, 0.0033%; no homozygotes.

Submissions (4):

Ambry Genetics
Classification: Uncertain significance for Cardiovascular phenotype. Last evaluated: 2025-06-02. Review status: criteria provided, single submitter. Criteria: Ambry Variant Classification Scheme 2023. Collection method: clinical testing. Allele origin: germline.
Comment: The p.R291G variant (also known as c.871A>G), located in coding exon 7 of the MAP2K1 gene, results from an A to G substitution at nucleotide position 871. The arginine at codon 291 is replaced by glycine, an amino acid with dissimilar properties. This amino acid position is conserved. In addition, the in silico prediction for this alteration is inconclusive. Since supporting evidence is limited at this time, the clinical significance of this alteration remains unclear.

Labcorp Genetics (formerly Invitae), Labcorp
Classification: Uncertain significance for RASopathy. Last evaluated: 2024-10-23. Review status: criteria provided, single submitter. Criteria: Invitae Variant Classification Sherloc (09022015). Collection method: clinical testing. Allele origin: germline.
Comment: This sequence change replaces arginine, which is basic and polar, with glycine, which is neutral and non-polar, at codon 291 of the MAP2K1 protein (p.Arg291Gly). This variant is present in population databases (rs747807884, gnomAD 0.003%). This variant has not been reported in the literature in individuals affected with MAP2K1-related conditions. ClinVar contains an entry for this variant (Variation ID: 372605). Invitae Evidence Modeling of protein sequence and biophysical properties (such as structural, functional, and spatial information, amino acid conservation, physicochemical variation, residue mobility, and thermodynamic stability) has been performed for this missense variant. However, the output from this modeling did not meet the statistical confidence thresholds required to predict the impact of this variant on MAP2K1 protein function. In summary, the available evidence is currently insufficient to determine the role of this variant in disease. Therefore, it has been classified as a Variant of Uncertain Significance.

Women's Health and Genetics/Laboratory Corporation of America, LabCorp
Classification: Uncertain significance. Last evaluated: 2019-11-21. Review status: criteria provided, single submitter. Criteria: LabCorp Variant Classification Summary - May 2015. Collection method: clinical testing. Allele origin: germline.
Comment: Variant Summary: MAP2K1 c.871A>G (p.Arg291Gly) results in a non-conservative amino acid change located in the Protein kinase domain (IPR000719) of the encoded protein sequence. Three of five in-silico tools predict a benign effect of the variant on protein function. The variant allele was found at a frequency of 1.6e-05 in 251136 control chromosomes (gnomAD). The available data on variant occurrences in the general population are insufficient to allow any conclusion about variant significance. The variant was reported along with a TTN truncation variant in both patients but it was also reported in unaffected family members and a sibling with evidence of left ventricular diastolic dysfunction while, it was absent from another sibling who exhibited the presence of early left ventricle noncompaction and was positive for the TTN variant. This report does not provide unequivocal conclusions about association of the variant with Noonan Syndrome and Related Conditions. To our knowledge, no experimental evidence demonstrating an impact on protein function has been reported. Two ClinVar submitters (evaluation after 2014) cite the variant as uncertain significance. Based on the evidence outlined above, the variant was classified as uncertain significance.

GeneDx
Classification: Uncertain significance. Last evaluated: 2015-03-13. Review status: criteria provided, single submitter. Criteria: GeneDx Variant Classification (06012015). Collection method: clinical testing. Allele origin: germline. Affected: yes.
Comment: The R291G variant has not been published as a pathogenic variant nor has it been reported as a benign polymorphism to our knowledge. The R291G variant was not observed in approximately 6,500 individuals of European and African American ancestry in the NHLBI Exome Sequencing Project, indicating it is not a common benign variant in these populations. The R291G variant is a non-conservative amino acid substitution, which is likely to impact secondary protein structure as these residues differ in polarity, charge, size and/or other properties. This substitution occurs at a position that is conserved across mammals. However, in silico analysis is inconsistent in its predictions as to whether or not the variant is damaging to the protein structure/function. Furthermore, no missense variants in nearby residues have been reported in the Human Gene Mutation Database (Stenson et al., 2014), indicating that this region of the protein may be tolerant of change.Therefore, based on the currently available information, it is unclear whether this variant is a pathogenic variant or a rare benign variant

NM_002755.4(MAP2K1):c.871A>G (p.Arg291Gly)

Gene: MAP2K1 (mitogen-activated protein kinase kinase 1; plus strand). Cytogenetic location: 15q22.31.
Variant type: single nucleotide variant.
Coding change: c.871A>G on transcript NM_002755.4 (MANE Select); coding-DNA position 871, A replaced by G.
Protein change: p.Arg291Gly; replaces arginine 291 with glycine.
Molecular consequence: missense variant.
Genome position (GRCh38, 1-based): chr15:66,485,167, A>G. VCF-style: chr15-66485167-A-G. GRCh37 (hg19) VCF-style: chr15-66777505-A-G.
Other names: short protein forms R291G.
Identifiers: ClinVar variation 372605 (VCV000372605.11), dbSNP rs747807884, ClinGen allele CA7624026.